The following is an entry in ClinVar:

ClinVar aggregate classification (germline): Benign/Likely benign. Review status: criteria provided, multiple submitters, no conflicts (2 of 4 stars). 3 submissions from 3 submitters: Benign (2); Likely benign (1). Last evaluated 2026-01-21.

Conditions:
DNAH9-related disorder. Also called: DNAH9-related condition.

Allele frequency attached by ClinVar (database versions not stated): 1000 Genomes Project 0.00180; gnomAD 0.00203 and 0.00213; ESP Exome Variant Server 0.00238; 1000 Genomes Project 30x 0.00265.
gnomAD v4.1: 643 of 1,608,512 alleles (0.04%); highest among the groups gnomAD compares: African/African-American, 0.75%; 3 homozygotes.

Submissions (3):

Labcorp Genetics (formerly Invitae), Labcorp
Classification: Benign. Last evaluated: 2026-01-21. Review status: criteria provided, single submitter. Criteria: Invitae Variant Classification Sherloc (09022015). Collection method: clinical testing. Allele origin: germline.

PreventionGenetics, part of Exact Sciences
Classification: Likely benign for DNAH9-related condition. Last evaluated: 2025-03-11. Review status: criteria provided, single submitter. Criteria: ACMG Guidelines, 2015. Collection method: clinical testing. Allele origin: germline.
Comment: This variant is classified as likely benign based on ACMG/AMP sequence variant interpretation guidelines (Richards et al. 2015 PMID: 25741868, with internal and published modifications).

Breakthrough Genomics
Classification: Benign. Review status: criteria provided, single submitter. Criteria: ACMG Guidelines, 2015. Collection method: not provided. Allele origin: germline. Inheritance: Autosomal recessive inheritance. Affected: yes.

NM_001372.4(DNAH9):c.1888C>T (p.Arg630Cys)

Gene: DNAH9 (dynein axonemal heavy chain 9; plus strand). Cytogenetic location: 17p12.
Variant type: single nucleotide variant.
Coding change: c.1888C>T on transcript NM_001372.4 (MANE Select); coding-DNA position 1888, C replaced by T.
Protein change: p.Arg630Cys; replaces arginine 630 with cysteine.
Molecular consequence: missense variant.
Genome position (GRCh38, 1-based): chr17:11,640,371, C>T. VCF-style: chr17-11640371-C-T. GRCh37 (hg19) VCF-style: chr17-11543688-C-T.
Other names: c.1888C>T (NM_001372.3); short protein forms R630C.
Identifiers: ClinVar variation 1629207 (VCV001629207.10), dbSNP rs114346791, ClinGen allele CA8395008.